The following is an entry in ClinVar:

NM_003922.4(HERC1):c.10273G>T (p.Glu3425Ter)

Gene: HERC1 (HECT and RLD domain containing E3 ubiquitin protein ligase family member 1; minus strand). Cytogenetic location: 15q22.31.
Variant type: single nucleotide variant.
Coding change: c.10273G>T on transcript NM_003922.4 (MANE Select); coding-DNA position 10273, G replaced by T.
Protein change: p.Glu3425Ter; replaces glutamic acid 3425 with a stop codon.
Molecular consequence: nonsense.
Genome position (GRCh38, 1-based): chr15:63,654,136, C>A on the plus strand (G>T on the coding strand, the complement: HERC1 is on the minus strand). VCF-style: chr15-63654136-C-A. GRCh37 (hg19) VCF-style: chr15-63946335-C-A.
Other names: short protein forms E3425*.
Identifiers: ClinVar variation 4883716 (VCV004883716.2).

ClinVar aggregate classification (germline): Likely pathogenic (1 of 4 stars; one submission).

gnomAD v4.1: 1 of 1,613,370 alleles (0.000062%); no homozygotes.

Submission:

Dasa
Classification: Likely pathogenic. Last evaluated: 2025-12-22. Review status: criteria provided, single submitter. Criteria: DASA Assertion Criteria. Collection method: clinical testing. Allele origin: germline.
Comment: NM_003922.4(HERC1):c.10273G>T (p.Glu3425*) is a nonsense variant in HERC1 predicted to introduce a premature termination codon and is predicted to result in an absent or altered protein product. Loss of function is an established disease mechanism for HERC1-associated disorders. Also, this variant is rare in population databases. Based on the currently available evidence, this variant is classified as likely pathogenic.